The following is an entry in ClinVar:

NM_000492.4(CFTR):c.3530A>G (p.Lys1177Arg)

Genes: CFTR (CF transmembrane conductance regulator; plus strand), CFTR-AS2 (CFTR antisense RNA 2; minus strand). Cytogenetic location: 7q31.2.
Variant type: single nucleotide variant.
Coding change: c.3530A>G on transcript NM_000492.4 (MANE Select); coding-DNA position 3530, A replaced by G.
Protein change: p.Lys1177Arg; replaces lysine 1177 with arginine.
Molecular consequence: missense variant.
Genome position (GRCh38, 1-based): chr7:117,627,583, A>G. VCF-style: chr7-117627583-A-G. GRCh37 (hg19) VCF-style: chr7-117267637-A-G.
Other names: short protein forms K1177R.
Identifiers: ClinVar variation 3063940 (VCV003063940.2), dbSNP rs777765549, ClinGen allele CA4451491.

ClinVar aggregate classification (germline): Uncertain significance (1 of 4 stars; one submission).

gnomAD v4.1: 2 of 1,613,398 alleles (0.00012%); highest among the groups gnomAD compares: Non-Finnish European, 0.00017%; no homozygotes.

Submission:

Women's Health and Genetics/Laboratory Corporation of America, LabCorp
Classification: Uncertain significance. Last evaluated: 2024-09-06. Review status: criteria provided, single submitter. Criteria: LabCorp Variant Classification Summary - May 2015. Collection method: clinical testing. Allele origin: germline.
Comment: Variant summary: CFTR c.3530A>G (p.Lys1177Arg) results in a conservative amino acid change in the encoded protein sequence. Five of five in-silico tools predict a benign effect of the variant on protein function. The variant allele was found at a frequency of 4e-06 in 250746 control chromosomes. The available data on variant occurrences in the general population are insufficient to allow any conclusion about variant significance. c.3530A>G has been reported in the literature in at least one individual with suspected/confirmed Cystic Fibrosis (e.g., Ortiz_2017), however without strong evidence for causality (e.g., lack of co-occurrence and co-segregation data). This report therefore does not provide unequivocal conclusions about association of the variant with Cystic Fibrosis. At least one publication reports experimental evidence evaluating an impact on protein function, however, does not allow convincing conclusions about the variant effect (e.g. Lee_2014). The following publications have been ascertained in the context of this evaluation (PMID: 24777605, 29178639, 12151438). ClinVar contains an entry for this variant (Variation ID: 3063940). Based on the evidence outlined above, the variant was classified as uncertain significance.

Literature cited by the submitters: PubMed 12151438; PubMed 29178639; PubMed 24777605.